The following is an entry in ClinVar:

ClinVar aggregate classification (germline): Uncertain significance (1 of 4 stars; one submission).

Conditions:
RASopathy. Also called: rasopathies; Noonan spectrum disorder. Identifiers: Orphanet 536391, MedGen C5555857, MONDO:0021060.

gnomAD v4.1: 1 of 1,613,384 alleles (0.000062%); highest among the groups gnomAD compares: South Asian, 0.0011%; no homozygotes.

Submission:

Labcorp Genetics (formerly Invitae), Labcorp
Classification: Uncertain significance for RASopathy. Last evaluated: 2024-10-26. Review status: criteria provided, single submitter. Criteria: Invitae Variant Classification Sherloc (09022015). Collection method: clinical testing. Allele origin: germline.
Comment: This sequence change replaces asparagine, which is neutral and polar, with serine, which is neutral and polar, at codon 580 of the BRAF protein (p.Asn580Ser). This variant is not present in population databases (gnomAD no frequency). This variant has not been reported in the literature in individuals affected with BRAF-related conditions. An algorithm developed to predict the effect of missense changes on protein structure and function (PolyPhen-2) suggests that this variant is likely to be disruptive. Algorithms developed to predict the effect of sequence changes on RNA splicing suggest that this variant may disrupt the consensus splice site. In summary, the available evidence is currently insufficient to determine the role of this variant in disease. Therefore, it has been classified as a Variant of Uncertain Significance.

NM_004333.6(BRAF):c.1739A>G (p.Asn580Ser)

Gene: BRAF (B-Raf proto-oncogene, serine/threonine kinase; minus strand). Cytogenetic location: 7q34.
Variant type: single nucleotide variant.
Coding change: c.1739A>G on transcript NM_004333.6 (MANE Select); coding-DNA position 1739, A replaced by G.
Protein change: p.Asn580Ser; replaces asparagine 580 with serine.
Molecular consequence: missense variant.
Genome position (GRCh38, 1-based): chr7:140,754,189, T>C on the plus strand (A>G on the coding strand, the complement: BRAF is on the minus strand). VCF-style: chr7-140754189-T-C. GRCh37 (hg19) VCF-style: chr7-140453989-T-C.
Other names: c.1739A>G, p.Asn580Ser (NM_001354609.2, NM_001378468.1, NM_001378474.1); c.1859A>G, p.Asn620Ser (NM_001374244.1, NM_001374258.1); c.1748A>G, p.Asn583Ser (NM_001378467.1); c.1673A>G, p.Asn558Ser (NM_001378469.1); c.1637A>G, p.Asn546Ser (NM_001378470.1); c.1628A>G, p.Asn543Ser (NM_001378471.1); c.1583A>G, p.Asn528Ser (NM_001378472.1, NM_001378473.1); c.1475A>G, p.Asn492Ser (NM_001378475.1); short protein forms N543S, N546S, N558S, N580S, N620S, N492S, N528S, N583S.
Identifiers: ClinVar variation 3723800 (VCV003723800.2).